The following is an entry in ClinVar:

ClinVar aggregate classification (germline): Uncertain significance. Review status: criteria provided, multiple submitters, no conflicts (2 of 4 stars). 2 submissions from 2 submitters: Uncertain significance (2). Last evaluated 2025-07-16.

Conditions:
Inborn genetic diseases. Identifiers: MedGen C0950123, MeSH D030342.
Polyhydramnios, megalencephaly, and symptomatic epilepsy (PMSE). Also called: PMSE SYNDROME. Identifiers: Orphanet 500533, MedGen C1970203, MONDO:0012611, OMIM 611087.

Allele frequency attached by ClinVar (database versions not stated): gnomAD exomes below 0.00001; gnomAD 0.00001; TOPMed 0.00001.

Submissions (2):

Ambry Genetics
Classification: Uncertain significance for Inborn genetic diseases. Last evaluated: 2025-07-16. Review status: criteria provided, single submitter. Criteria: Ambry Variant Classification Scheme 2023. Collection method: clinical testing. Allele origin: germline.

Labcorp Genetics (formerly Invitae), Labcorp
Classification: Uncertain significance for Polyhydramnios, megalencephaly, and symptomatic epilepsy. Last evaluated: 2022-06-29. Review status: criteria provided, single submitter. Criteria: Invitae Variant Classification Sherloc (09022015). Collection method: clinical testing. Allele origin: germline.
Comment: This sequence change replaces isoleucine, which is neutral and non-polar, with valine, which is neutral and non-polar, at codon 305 of the STRADA protein (p.Ile305Val). This variant is not present in population databases (gnomAD no frequency). This variant has not been reported in the literature in individuals affected with STRADA-related conditions. Algorithms developed to predict the effect of missense changes on protein structure and function are either unavailable or do not agree on the potential impact of this missense change (SIFT: "Tolerated"; PolyPhen-2: "Possibly Damaging"; Align-GVGD: "Class C0"). In summary, the available evidence is currently insufficient to determine the role of this variant in disease. Therefore, it has been classified as a Variant of Uncertain Significance.

NM_001003787.4(STRADA):c.913A>G (p.Ile305Val)

Gene: STRADA (STE20 related adaptor alpha; minus strand). Cytogenetic location: 17q23.3.
Variant type: single nucleotide variant.
Coding change: c.913A>G on transcript NM_001003787.4 (MANE Select); coding-DNA position 913, A replaced by G.
Protein change: p.Ile305Val; replaces isoleucine 305 with valine.
Molecular consequence: missense variant. On other transcripts: non-coding transcript variant (1).
Genome position (GRCh38, 1-based): chr17:63,704,528, T>C on the plus strand (A>G on the coding strand, the complement: STRADA is on the minus strand). VCF-style: chr17-63704528-T-C. GRCh37 (hg19) VCF-style: chr17-61781888-T-C.
Other names: c.802A>G, p.Ile268Val (NM_001003786.3, NM_153335.6, NM_001363789.1); c.913A>G (NM_001003787.2); c.739A>G, p.Ile247Val (NM_001003788.3, NM_001363790.1, NM_001363791.1); c.826A>G, p.Ile276Val (NM_001165969.2, NM_001363787.1); c.781A>G, p.Ile261Val (NM_001165970.2); c.889A>G, p.Ile297Val (NM_001363786.1); c.913A>G, p.Ile305Val (NM_001363788.1); short protein forms I261V, I276V, I305V, I247V, I268V, I297V.
Identifiers: ClinVar variation 1370537 (VCV001370537.4), dbSNP rs2035943068, ClinGen allele CA400588404.